The following is an entry in ClinVar:

NM_014874.4(MFN2):c.1091G>T (p.Arg364Leu)

Gene: MFN2 (mitofusin 2; plus strand). Cytogenetic location: 1p36.22.
Variant type: single nucleotide variant.
Coding change: c.1091G>T on transcript NM_014874.4 (MANE Select); coding-DNA position 1091, G replaced by T.
Protein change: p.Arg364Leu; replaces arginine 364 with leucine.
Molecular consequence: missense variant.
Genome position (GRCh38, 1-based): chr1:12,002,034, G>T. VCF-style: chr1-12002034-G-T. GRCh37 (hg19) VCF-style: chr1-12062091-G-T.
Other names: c.1091G>T (NM_014874.3); c.1091G>T, p.Arg364Leu (NM_001127660.2); short protein forms R364L.
Identifiers: ClinVar variation 801445 (VCV000801445.14), dbSNP rs879254011, ClinGen allele CA338442906.

ClinVar aggregate classification (germline): Conflicting classifications of pathogenicity. Review status: criteria provided, conflicting classifications (1 of 4 stars). 5 submissions from 5 submitters: Pathogenic (1); Likely pathogenic (2); Uncertain significance (1). 1 of the submissions does not count toward it. Last evaluated 2026-06-21.

Conditions:
Charcot-Marie-Tooth disease type 2A2. Also called: CHARCOT-MARIE-TOOTH DISEASE, AXONAL, TYPE 2A2; CHARCOT-MARIE-TOOTH DISEASE, NEURONAL, TYPE 2A2; HEREDITARY MOTOR AND SENSORY NEUROPATHY IIA2; HMSN IIA2; Charcot-Marie-Tooth Neuropathy Type 2A2; CHARCOT-MARIE-TOOTH DISEASE, AXONAL, AUTOSOMAL DOMINANT, TYPE 2A2A. Identifiers: Orphanet 99947, MedGen C4721887, MONDO:0012231, OMIM 609260.
Charcot-Marie-Tooth disease type 2. Also called: Charcot-Marie-Tooth type 2. Identifiers: Orphanet 64746, MedGen C0270914, MONDO:0018993.

Submissions (5):

Genetics Research Center, University of Social Welfare and Rehabilitation Sciences
Classification: Pathogenic for Charcot-Marie-Tooth disease type 2A2. Last evaluated: 2026-06-21. Review status: criteria provided, single submitter. Criteria: ACMG Guidelines, 2015. Collection method: clinical testing. Allele origin: germline. Inheritance: Autosomal dominant inheritance. Affected: yes. Observed: 1 variant allele, 1 heterozygote.
Comment: This variant causes a missense change involving the alteration of a conserved nucleotide (PhyloP100 = 9.6). The variant was absent in control chromosomes in GnomAD project. In-silico tool predicts a pathogenic outcome for this variant (REVEL = 0.91). Another variant affecting the same amino acid position, but resulting in a different missense (i.e. Arg364Pro) has been classified as Pathogenic. The variant co-segregated with disease status. Overall, the variant meets PM1, PM2, PM5, PP1, PP2, PP3, and PP5 ACMG criteria.

Women's Health and Genetics/Laboratory Corporation of America, LabCorp
Classification: Uncertain significance. Last evaluated: 2023-08-08. Review status: criteria provided, single submitter. Criteria: LabCorp Variant Classification Summary - May 2015. Collection method: clinical testing. Allele origin: germline.
Comment: Variant summary: MFN2 c.1091G>T (p.Arg364Leu) results in a non-conservative amino acid change in the encoded protein sequence. This alters a highly conserved residue in which other missense variants (e.g. p.Arg364Trp) have been classified as pathogenic by ClinVar submitters with clinical evidence. Four of five in-silico tools predict a damaging effect of the variant on protein function. The variant was absent in 251496 control chromosomes (gnomAD). To our knowledge, no occurrence of c.1091G>T in individuals affected with MFN2-Related Disorders and no experimental evidence demonstrating its impact on protein function have been reported. Two submitters have cited clinical-significance assessments for this variant to ClinVar after 2014. Both submitters classified the variant as likely pathogenic. Based on the evidence outlined above, the variant was classified as VUS-possibly pathogenic.

Labcorp Genetics (formerly Invitae), Labcorp
Classification: Likely pathogenic for Charcot-Marie-Tooth disease type 2. Last evaluated: 2022-11-29. Review status: criteria provided, single submitter. Criteria: Invitae Variant Classification Sherloc (09022015). Collection method: clinical testing. Allele origin: germline.
Comment: In summary, the currently available evidence indicates that the variant is pathogenic, but additional data are needed to prove that conclusively. Therefore, this variant has been classified as Likely Pathogenic. This variant disrupts the p.Arg364 amino acid residue in MFN2. Other variant(s) that disrupt this residue have been determined to be pathogenic (PMID: 21508331, 22206013). This suggests that this residue is clinically significant, and that variants that disrupt this residue are likely to be disease-causing. Advanced modeling of protein sequence and biophysical properties (such as structural, functional, and spatial information, amino acid conservation, physicochemical variation, residue mobility, and thermodynamic stability) performed at Invitae indicates that this missense variant is expected to disrupt MFN2 protein function. ClinVar contains an entry for this variant (Variation ID: 801445). This missense change has been observed in individual(s) with clinical features of autosomal dominant Charcot-Marie-Tooth disease (Invitae). This variant is not present in population databases (gnomAD no frequency). This sequence change replaces arginine, which is basic and polar, with leucine, which is neutral and non-polar, at codon 364 of the MFN2 protein (p.Arg364Leu).

Mendelics
Classification: Likely pathogenic for Charcot-Marie-Tooth disease type 2A2. Last evaluated: 2019-05-28. Review status: criteria provided, single submitter. Criteria: Mendelics Assertion Criteria 2017. Collection method: clinical testing. Allele origin: unknown.

Next Generation Genetic Polyclinic
Classification: Likely pathogenic for Charcot-Marie-Tooth disease type 2A2. Review status: no assertion criteria provided. Collection method: clinical testing. Allele origin: de novo. Affected: yes. Not counted in ClinVar's aggregate classification.

Literature cited by the submitters: PubMed 42236346 (cited by Genetics Research Center, University of Social Welfare and Rehabilitation Sciences); PubMed 21508331 (cited by Labcorp Genetics (formerly Invitae), Labcorp); PubMed 22206013 (cited by Labcorp Genetics (formerly Invitae), Labcorp).